The following is an entry in ClinVar:

ClinVar aggregate classification (germline): Likely benign (1 of 4 stars; one submission).

Submission:

Laboratory for Molecular Medicine, Mass General Brigham Personalized Medicine
Classification: Likely benign. Last evaluated: 2015-10-02. Review status: criteria provided, single submitter. Criteria: LMM Criteria. Collection method: clinical testing. Allele origin: germline. Observed: 1 variant allele.
Comment: p.Ser669Ser in exon 12 of USH2A: This variant is not expected to have clinical s ignificance because it does not alter an amino acid residue and is not located w ithin the splice consensus sequence.

NM_206933.4(USH2A):c.2007T>A (p.Ser669=)

Gene: USH2A (usherin; minus strand). Cytogenetic location: 1q41.
Variant type: single nucleotide variant.
Coding change: c.2007T>A on transcript NM_206933.4 (MANE Select); coding-DNA position 2007, T replaced by A.
Protein change: p.Ser669=; no amino-acid change (serine 669 retained).
Molecular consequence: synonymous variant.
Genome position (GRCh38, 1-based): chr1:216,251,063, A>T on the plus strand (T>A on the coding strand, the complement: USH2A is on the minus strand). VCF-style: chr1-216251063-A-T. GRCh37 (hg19) VCF-style: chr1-216424405-A-T.
Other names: c.2007T>A, p.Ser669= (NM_007123.6).
Identifiers: ClinVar variation 228209 (VCV000228209.5), dbSNP rs876657625, ClinGen allele CA10576388.
Genomic context (GRCh38, chr1:216,251,063, plus strand): 5'-ATCAGGATCCAACTCTTGTAGATTGTAGAATCCATTCTGGCACTGATTGCACTGCCTGCC[A>T]GACACGTGTCTCTTACAATTACACTGTCCTCCAATCTAGAGAAGATACAACATTTTGTAG-3'
Protein context (NP_996816.3, residues 659-679): GGQCNCKRHV[Ser669=]GRQCNQCQNG